The following is an entry in ClinVar:

NM_001386393.1(PANK2):c.1354G>A (p.Ala452Thr)

Gene: PANK2 (pantothenate kinase 2; plus strand). Cytogenetic location: 20p13.
Variant type: single nucleotide variant.
Coding change: c.1354G>A on transcript NM_001386393.1 (MANE Select); coding-DNA position 1354, G replaced by A.
Protein change: p.Ala452Thr; replaces alanine 452 with threonine.
Molecular consequence: missense variant. On other transcripts: non-coding transcript variant (1).
Genome position (GRCh38, 1-based): chr20:3,923,265, G>A. VCF-style: chr20-3923265-G-A. GRCh37 (hg19) VCF-style: chr20-3903912-G-A.
Other names: c.811G>A, p.Ala271Thr (NM_001324191.2, NM_024960.6, NM_153640.4); c.376G>A, p.Ala126Thr (NM_001324193.2); c.1684G>A, p.Ala562Thr (NM_153638.4); short protein forms A562T, A271T, A126T, A452T.
Identifiers: ClinVar variation 338365 (VCV000338365.10), dbSNP rs886056652, ClinGen allele CA10649679.

ClinVar aggregate classification (germline): Uncertain significance. Review status: criteria provided, multiple submitters, no conflicts (2 of 4 stars). 2 submissions from 2 submitters: Uncertain significance (2). Last evaluated 2022-07-23.

Conditions:
Pigmentary pallidal degeneration (NBIA1). Also called: PKAN NEUROAXONAL DYSTROPHY, JUVENILE-ONSET; Pantothenate Kinase-Associated Neurodegeneration; Neuroaxonal dystrophy, late infantile; Hallervorden-Spatz disease; Neurodegeneration with brain iron accumulation 1; HARP SYNDROME. Identifiers: Orphanet 157850, MedGen C0018523, MONDO:0009319, OMIM 234200.

Allele frequency attached by ClinVar (database versions not stated): gnomAD exomes below 0.00001; TOPMed below 0.00001.
gnomAD v4.1: 2 of 1,614,170 alleles (0.00012%); highest among the groups gnomAD compares: Non-Finnish European, 0.00017%; no homozygotes.

Submissions (2):

Labcorp Genetics (formerly Invitae), Labcorp
Classification: Uncertain significance for Pigmentary pallidal degeneration. Last evaluated: 2022-07-23. Review status: criteria provided, single submitter. Criteria: Invitae Variant Classification Sherloc (09022015). Collection method: clinical testing. Allele origin: germline.
Comment: Algorithms developed to predict the effect of missense changes on protein structure and function are either unavailable or do not agree on the potential impact of this missense change (SIFT: "Tolerated"; PolyPhen-2: "Possibly Damaging"; Align-GVGD: "Class C0"). In summary, the available evidence is currently insufficient to determine the role of this variant in disease. Therefore, it has been classified as a Variant of Uncertain Significance. ClinVar contains an entry for this variant (Variation ID: 338365). This variant has not been reported in the literature in individuals affected with PANK2-related conditions. This variant is present in population databases (no rsID available, gnomAD 0.0009%). This sequence change replaces alanine, which is neutral and non-polar, with threonine, which is neutral and polar, at codon 562 of the PANK2 protein (p.Ala562Thr).

Illumina Laboratory Services, Illumina
Classification: Uncertain significance for Pigmentary pallidal degeneration. Last evaluated: 2018-01-13. Review status: criteria provided, single submitter. Criteria: ICSL Variant Classification Criteria 13 December 2019. Collection method: clinical testing. Allele origin: germline.